The following is an entry in ClinVar:

ClinVar aggregate classification (germline): Likely benign (1 of 4 stars; one submission).

Conditions:
Hereditary breast ovarian cancer syndrome. Also called: Hereditary breast and ovarian cancer; Hereditary breast and ovarian cancer syndrome (HBOC); Breast and ovarian cancer; Hereditary breast and/or ovarian cancer syndrome; BRCA1- and BRCA2-Associated Hereditary Breast and Ovarian Cancer; Hereditary breast and ovarian cancer syndrome. Identifiers: Orphanet 145, MedGen C0677776, MeSH D061325, MONDO:0003582. Disease mechanism: loss of function.

Submissions (2):

Labcorp Genetics (formerly Invitae), Labcorp
Classification: Likely benign for Hereditary breast ovarian cancer syndrome. Last evaluated: 2022-10-03. Review status: criteria provided, single submitter. Criteria: Invitae Variant Classification Sherloc (09022015). Collection method: clinical testing. Allele origin: germline.

Brotman Baty Institute, University of Washington
No classification provided (evidence only). Condition: Breast-ovarian cancer, familial 1. Review status: no classification provided. Collection method: in vitro. Allele origin: not applicable. Functional consequence: functionally_normal. Not counted in ClinVar's aggregate classification.
ClinVar note: "not provided" was previously submitted as the classification for the variant. However, the classification appeared to be based only on an observation of functional data so it was converted to no classification on 2025-07-30.

NM_007294.4(BRCA1):c.-11A>T

Gene: BRCA1 (BRCA1 DNA repair associated; minus strand). Cytogenetic location: 17q21.31.
Variant type: single nucleotide variant.
Coding change: c.-11A>T on transcript NM_007294.4 (MANE Select); 11 bases upstream of the start codon, A replaced by T.
Molecular consequence: 5 prime UTR variant. On other transcripts: non-coding transcript variant (1).
Genome position (GRCh38, 1-based): chr17:43,124,107, T>A on the plus strand (A>T on the coding strand, the complement: BRCA1 is on the minus strand). VCF-style: chr17-43124107-T-A. GRCh37 (hg19) VCF-style: chr17-41276124-T-A.
Other names: c.-199A>T (NM_001407571.1, NM_001407853.1, NM_001407879.1 and 42 more transcripts); c.-11A>T (NM_001407581.1, NM_001407582.1, NM_001407583.1 and 169 more transcripts); c.-268A>T (NM_001407694.1, NM_001407724.1, NM_001407727.1 and 11 more transcripts); c.-272A>T (NM_001407695.1, NM_001408465.1); c.-413A>T (NM_001407696.1); c.-297A>T (NM_001407697.1, NM_001407846.1, NM_001407920.1); c.-98A>T (NM_001407698.1, NM_001407732.1, NM_001407736.1 and 21 more transcripts); c.-271A>T (NM_001407725.1, NM_001407730.1, NM_001407734.1 and 22 more transcripts); and 8 more.
Identifiers: ClinVar variation 867657 (VCV000867657.12), dbSNP rs273897654, ClinGen allele CA916081158.